The following is an entry in ClinVar:

NM_017534.6(MYH2):c.1276G>A (p.Ala426Thr)

Genes: MYH2 (myosin heavy chain 2; minus strand), MYHAS (myosin heavy chain gene cluster antisense RNA; plus strand). Cytogenetic location: 17p13.1.
Variant type: single nucleotide variant.
Coding change: c.1276G>A on transcript NM_017534.6 (MANE Select); coding-DNA position 1276, G replaced by A.
Protein change: p.Ala426Thr; replaces alanine 426 with threonine.
Molecular consequence: missense variant.
Genome position (GRCh38, 1-based): chr17:10,539,345, C>T on the plus strand (G>A on the coding strand, the complement: MYH2 is on the minus strand). VCF-style: chr17-10539345-C-T. GRCh37 (hg19) VCF-style: chr17-10442662-C-T.
Other names: c.1276G>A, p.Ala426Thr (NM_001100112.2); short protein forms A426T.
Identifiers: ClinVar variation 4979437 (VCV004979437.1).
Genomic context (GRCh38, chr17:10,539,345, plus strand): 5'-TGCGGGCAACCATCCACAGGAACATCTTCTCGTAGACGGCTTTGGCCAGAGCACCTACTG[C>T]GTTGGACACCTTAAAAGACAAAATTATAACTCTCGAAGTTATTAAAGGCCTATGAAAATG-3'
Protein context (NP_060004.3, residues 416-436): KGQTVEQVSN[Ala426Thr]VGALAKAVYE

ClinVar aggregate classification (germline): Uncertain significance (1 of 4 stars; one submission).

Conditions:
MYH2-related disorder. Also called: MYH2-related condition.

gnomAD v4.1: 12 of 1,614,034 alleles (0.00074%); highest among the groups gnomAD compares: East Asian, 0.0022%; no homozygotes.

Submission:

PreventionGenetics, part of Exact Sciences
Classification: Uncertain significance for MYH2-related condition. Last evaluated: 2026-01-20. Review status: criteria provided, single submitter. Criteria: ACMG Guidelines, 2015. Collection method: clinical testing. Allele origin: germline.
Comment: The MYH2 c.1276G>A variant is predicted to result in the amino acid substitution p.Ala426Thr. To our knowledge, this variant has not been reported in the literature. This variant is reported in 0.0054% of alleles in individuals of East Asian descent in gnomAD. At this time, the clinical significance of this variant is uncertain due to the absence of conclusive functional and genetic evidence.